The following is an entry in ClinVar:

ClinVar aggregate classification (germline): Pathogenic (1 of 4 stars; one submission).

Conditions:
Polycystic kidney disease, adult type (PKD1). Also called: Polycystic Kidney Disease 1, Autosomal Dominant; Polycystic kidney disease 1; Polycystic kidney disease 1, severe; POLYCYSTIC KIDNEY DISEASE 1 WITH OR WITHOUT POLYCYSTIC LIVER DISEASE; POLYCYSTIC KIDNEY DISEASE, ADULT, TYPE I; Polycystic Kidney, Autosomal Dominant. Identifiers: MedGen C3149841, MONDO:0008263, OMIM 173900.

Submission:

Victorian Clinical Genetics Services, Murdoch Childrens Research Institute
Classification: Pathogenic for Polycystic kidney disease, adult type. Last evaluated: 2023-07-17. Review status: criteria provided, single submitter. Criteria: ACMG Guidelines, 2015. Collection method: clinical testing. Allele origin: germline. Inheritance: Autosomal dominant inheritance. Affected: yes.
Comment: Based on the classification scheme VCGS_Germline_v1.3.4, this variant is classified as Pathogenic. Following criteria are met: 0102 - Loss of function is a known mechanism of disease in this gene and is associated with polycystic kidney disease 1 (MIM#173900). (I) 0107 - This gene is associated with autosomal dominant disease. Polycystic kidney disease 1 (MIM#173900) is predominantly caused by monoallelic variants, with rare reports of biallelic variants causing disease (OMIM). (I) 0201 - Variant is predicted to cause nonsense-mediated decay (NMD) and loss of protein (premature termination codon is located at least 54 nucleotides upstream of the final exon-exon junction). (SP) 0251 - This variant is heterozygous. (I) 0301 - Variant is absent from gnomAD (both v2 and v3). (SP) 0701 - Other variants predicted to cause NMD comparable to the one identified in this case have very strong previous evidence for pathogenicity (DECIPHER). (SP) 0803 - This variant has limited previous evidence of pathogenicity. It has been reported in one family with autosomal dominant polycystic kidney disease (PMID: 32457805). (SP) 1208 - Inheritance information for this variant is not currently available in this individual. (I) Legend: (SP) - Supporting pathogenic, (I) - Information, (SB) - Supporting benign

Literature cited by the submitters: PubMed 32457805.

NM_001009944.3(PKD1):c.9965_9966del (p.Thr3322fs)

Gene: PKD1 (polycystin 1, transient receptor potential channel interacting; minus strand). Cytogenetic location: 16p13.3.
Variant type: Microsatellite.
Coding change: c.9965_9966del on transcript NM_001009944.3 (MANE Select); coding-DNA positions 9965 to 9966, 2 bases deleted (CA; older notation c.9965_9966delCA).
Protein change: p.Thr3322fs; shifts the reading frame from threonine 3322.
Molecular consequence: frameshift variant.
Genome position (GRCh38, 1-based): chr16:2,099,728-2,099,729, TG deleted on the plus strand (CA on the coding strand, the reverse complement: PKD1 is on the minus strand); deleting any 2 consecutive bases within chr16:2,099,728-2,099,732 gives the same sequence; the c. name uses the placement nearest the transcript's 3' end. VCF-style (leftmost placement, unchanged base first): chr16-2099727-CTG-C. GRCh37 (hg19) VCF-style: chr16-2149728-CTG-C.
Other names: c.9965_9966delCA (NM_001009944.2); c.9965_9966del, p.Thr3322fs (NM_000296.4); c.9962_9963AC[1], p.Thr3322Serfs (NM_001009944.2); short protein forms T3322fs.
Identifiers: ClinVar variation 3254846 (VCV003254846.1), dbSNP rs2544711045.